The following is an entry in ClinVar:

ClinVar aggregate classification (germline): Uncertain significance (1 of 4 stars; one submission).

Allele frequency attached by ClinVar (database versions not stated): gnomAD exomes below 0.00001 and 0.00001.
gnomAD v4.1: 3 of 1,614,110 alleles (0.00019%); highest among the groups gnomAD compares: East Asian, 0.0022%; no homozygotes.

Submission:

Labcorp Genetics (formerly Invitae), Labcorp
Classification: Uncertain significance. Last evaluated: 2022-07-25. Review status: criteria provided, single submitter. Criteria: Invitae Variant Classification Sherloc (09022015). Collection method: clinical testing. Allele origin: germline.
Comment: In summary, the available evidence is currently insufficient to determine the role of this variant in disease. Therefore, it has been classified as a Variant of Uncertain Significance. Algorithms developed to predict the effect of missense changes on protein structure and function (SIFT, PolyPhen-2, Align-GVGD) all suggest that this variant is likely to be tolerated. ClinVar contains an entry for this variant (Variation ID: 861375). This variant has not been reported in the literature in individuals affected with PRPF6-related conditions. The frequency data for this variant in the population databases is considered unreliable, as metrics indicate poor data quality at this position in the gnomAD database. This sequence change replaces threonine, which is neutral and polar, with alanine, which is neutral and non-polar, at codon 336 of the PRPF6 protein (p.Thr336Ala).

NM_012469.4(PRPF6):c.1006A>G (p.Thr336Ala)

Gene: PRPF6 (pre-mRNA processing factor 6; plus strand). Cytogenetic location: 20q13.33.
Variant type: single nucleotide variant.
Coding change: c.1006A>G on transcript NM_012469.4 (MANE Select); coding-DNA position 1006, A replaced by G.
Protein change: p.Thr336Ala; replaces threonine 336 with alanine.
Molecular consequence: missense variant.
Genome position (GRCh38, 1-based): chr20:63,999,742, A>G. VCF-style: chr20-63999742-A-G. GRCh37 (hg19) VCF-style: chr20-62631095-A-G.
Other names: short protein forms T336A.
Identifiers: ClinVar variation 861375 (VCV000861375.11), dbSNP rs1244491802, ClinGen allele CA409719660.